The following is an entry in ClinVar:

NM_000458.4(HNF1B):c.1046-11T>G

Gene: HNF1B (HNF1 homeobox B; minus strand). Cytogenetic location: 17q12.
Variant type: single nucleotide variant.
Coding change: c.1046-11T>G on transcript NM_000458.4 (MANE Select); 11 bases into the intron before coding-DNA position 1046, T replaced by G.
Molecular consequence: intron variant.
Genome position (GRCh38, 1-based): chr17:37,710,674, A>C on the plus strand (T>G on the coding strand, the complement: HNF1B is on the minus strand). VCF-style: chr17-37710674-A-C. GRCh37 (hg19) VCF-style: chr17-36070682-A-C.
Other names: c.1046-11T>G (NM_000458.3, NM_001411100.1); c.968-11T>G (NM_001304286.2, NM_001165923.4).
Identifiers: ClinVar variation 2766537 (VCV002766537.5), dbSNP rs375528386, ClinGen allele CA8518908.
Genomic context (GRCh38, chr17:37,710,674, plus strand): 5'-TGTTGAGGAGGAAGTGATCTCATTGTTTCCCTGCTGGCTGTAGCGCACTCCTGCAAAACA[A>C]CACAAACCCAGTAGGGAACATTAGTGCCACCAGGGTCCTGGAACAATGACTCGGCACCTC-3'

ClinVar aggregate classification (germline): Likely benign. Review status: criteria provided, single submitter (1 of 4 stars). 2 submissions from 2 submitters: Likely benign (1). 1 of the submissions does not count toward it. Last evaluated 2023-04-14.

Conditions:
HNF1B-related disorder. Also called: HNF1B-related disorders; HNF1B-related condition.

Allele frequency attached by ClinVar (database versions not stated): TOPMed below 0.00001; ExAC 0.00001; gnomAD 0.00001; ESP Exome Variant Server 0.00008.
gnomAD v4.1: 6 of 1,612,120 alleles (0.00037%); highest among the groups gnomAD compares: South Asian, 0.0011%; no homozygotes.

Submissions (2):

Labcorp Genetics (formerly Invitae), Labcorp
Classification: Likely benign. Last evaluated: 2023-04-14. Review status: criteria provided, single submitter. Criteria: Invitae Variant Classification Sherloc (09022015). Collection method: clinical testing. Allele origin: germline.

PreventionGenetics, part of Exact Sciences
Classification: Likely benign for HNF1B-related condition. Last evaluated: 2023-05-08. Review status: no assertion criteria provided. Collection method: clinical testing. Allele origin: germline. Not counted in ClinVar's aggregate classification.
Comment: This variant is classified as likely benign based on ACMG/AMP sequence variant interpretation guidelines (Richards et al. 2015 PMID: 25741868, with internal and published modifications).